The following is an entry in ClinVar:

ClinVar aggregate classification (germline): Pathogenic (1 of 4 stars; one submission).

Conditions:
Hereditary spastic paraplegia 4. Also called: Spastic paraplegia 4, autosomal dominant; Familial spastic paraplegia autosomal dominant 2; Spastic Paraplegia 4. Identifiers: Orphanet 100985, MedGen C1866855, MONDO:0008438, OMIM 182601.

Submission:

Labcorp Genetics (formerly Invitae), Labcorp
Classification: Pathogenic for Hereditary spastic paraplegia 4. Last evaluated: 2025-04-29. Review status: criteria provided, single submitter. Criteria: Invitae Variant Classification Sherloc (09022015). Collection method: clinical testing. Allele origin: germline.
Comment: This sequence change creates a premature translational stop signal (p.Tyr544*) in the SPAST gene. It is expected to result in an absent or disrupted protein product. Loss-of-function variants in SPAST are known to be pathogenic (PMID: 20932283). This variant is not present in population databases (gnomAD no frequency). This premature translational stop signal has been observed in individual(s) with SPAST-related conditions (PMID: 32655478). ClinVar contains an entry for this variant (Variation ID: 2098702). For these reasons, this variant has been classified as Pathogenic.

Literature cited by the submitters: PubMed 20932283; PubMed 32655478.

NM_014946.4(SPAST):c.1632C>A (p.Tyr544Ter)

Gene: SPAST (spastin; plus strand). Cytogenetic location: 2p22.3.
Variant type: single nucleotide variant.
Coding change: c.1632C>A on transcript NM_014946.4 (MANE Select); coding-DNA position 1632, C replaced by A.
Protein change: p.Tyr544Ter; replaces tyrosine 544 with a stop codon.
Molecular consequence: nonsense. On other transcripts: intron variant (1).
Genome position (GRCh38, 1-based): chr2:32,144,952, C>A. VCF-style: chr2-32144952-C-A. GRCh37 (hg19) VCF-style: chr2-32370021-C-A.
Other names: c.1629C>A, p.Tyr543Ter (NM_001363823.2); c.1533C>A, p.Tyr511Ter (NM_001363875.2); c.1536C>A, p.Tyr512Ter (NM_199436.2); c.1520+1537C>A (NM_001377959.1); short protein forms Y543*, Y544*, Y511*, Y512*.
Identifiers: ClinVar variation 2098702 (VCV002098702.4), dbSNP rs2465908146, ClinGen allele CA346504185.